The following is an entry in ClinVar:

ClinVar aggregate classification (germline): Pathogenic. Review status: criteria provided, multiple submitters, no conflicts (2 of 4 stars). 6 submissions from 6 submitters: Pathogenic (6). Last evaluated 2025-11-18.

Conditions:
3 beta-Hydroxysteroid dehydrogenase deficiency. Also called: 3-BETA-HSD DEFICIENCY; ADRENAL HYPERPLASIA II; 3b-hydroxysteroid dehydrogenase deficiency; Congenital adrenal hyperplasia due to 3-beta-hydroxysteroid dehydrogenase deficiency; ADRENAL HYPERPLASIA, CONGENITAL, DUE TO 3-BETA-HYDROXYSTEROID DEHYDROGENASE 2 DEFICIENCY. Identifiers: Orphanet 90791, MedGen C0342471, MeSH C538236, MONDO:0008727, OMIM 201810. Disease mechanism: loss of function.

Allele frequency attached by ClinVar (database versions not stated): gnomAD 0.00001; TOPMed 0.00001; ESP Exome Variant Server 0.00008.
gnomAD v4.1: 39 of 1,613,944 alleles (0.0024%); highest among the groups gnomAD compares: East Asian, 0.0067%; no homozygotes.

Submissions (6):

Natera, Inc.
Classification: Pathogenic for 3 beta hydroxysteroid dehydrogenase deficiency. Last evaluated: 2025-11-18. Review status: criteria provided, single submitter. Criteria: Natera Variant Classification Schema (03/2026). Collection method: clinical testing. Allele origin: germline.
Comment: The c.1003C>T variant in HSD3B2 is a nonsense variant predicted to introduce a stop codon at amino acid 335. This variant is expected to result in nonsense mediated decay, truncation, or a dysfunctional protein product. This variant is rare in the general population with a frequency below the threshold expected for the associated phenotype(s). This variant has been observed in one or more individuals affected with the associated recessive disease, as either homozygous or compound heterozygous with a second variant (PMID: 18252794, 28870780). Additionally, this variant has been observed to segregate in affected family members (PMID: 18252794, 28870780). Functional studies show that this variant may disrupt protein function (PMID: 18252794). Given the available evidence, this variant is classified as Pathogenic.

Fulgent Genetics
Classification: Pathogenic for 3 beta-Hydroxysteroid dehydrogenase deficiency. Last evaluated: 2024-04-29. Review status: criteria provided, single submitter. Criteria: ACMG Guidelines, 2015. Collection method: clinical testing. Allele origin: germline.

Genomic Medicine Center of Excellence, King Faisal Specialist Hospital and Research Centre
Classification: Pathogenic for 3 beta-Hydroxysteroid dehydrogenase deficiency. Last evaluated: 2024-03-26. Review status: criteria provided, single submitter. Criteria: ACMG Guidelines, 2015. Collection method: clinical testing. Allele origin: germline.

Labcorp Genetics (formerly Invitae), Labcorp
Classification: Pathogenic. Last evaluated: 2023-12-22. Review status: criteria provided, single submitter. Criteria: Invitae Variant Classification Sherloc (09022015). Collection method: clinical testing. Allele origin: germline.
Comment: This sequence change creates a premature translational stop signal (p.Arg335*) in the HSD3B2 gene. While this is not anticipated to result in nonsense mediated decay, it is expected to disrupt the last 38 amino acid(s) of the HSD3B2 protein. This variant is present in population databases (rs148200568, gnomAD 0.01%). This premature translational stop signal has been observed in individual(s) with congenital adrenal hyperplasia and clinical features of congenital adrenal hyperplasia (PMID: 18252794, 31006099). It has also been observed to segregate with disease in related individuals. ClinVar contains an entry for this variant (Variation ID: 597649). Algorithms developed to predict the effect of variants on protein structure and function are not available or were not evaluated for this variant. Experimental studies have shown that this premature translational stop signal affects HSD3B2 function (PMID: 18252794). This variant disrupts the C-terminus of the HSD3B2 protein, which has been demonstrated to be critical for enzymatic activity (PMID: 1825279). While functional studies have not been performed to directly test the effect of this variant on HSD3B2 protein function, this suggests that disruption of this region of the protein is causative of disease. For these reasons, this variant has been classified as Pathogenic.

3billion
Classification: Pathogenic for 3 beta-Hydroxysteroid dehydrogenase deficiency. Last evaluated: 2022-05-22. Review status: criteria provided, single submitter. Criteria: ACMG Guidelines, 2015. Collection method: clinical testing. Allele origin: germline. Affected: yes. Observed: 1 homozygote.
Comment: The variant is observed at an extremely low frequency in the gnomAD v2.1.1 dataset (total allele frequency: 0.002%). Stop-gained (nonsense): predicted to result in a loss or disruption of normal protein function through protein truncation. The predicted truncated protein may be shortened by more than 10%. The variant has been reported at least twice as pathogenic with clinical assertions and evidence for the classification (ClinVar ID: VCV000597649). Therefore, this variant is classified as pathogenic according to the recommendation of ACMG/AMP guideline.

Eurofins Ntd Llc (ga)
Classification: Pathogenic. Last evaluated: 2018-06-15. Review status: criteria provided, single submitter. Criteria: EGL ClinVar v180209 classification definitions. Collection method: clinical testing. Allele origin: germline. Observed: 1 variant allele, 1 heterozygote.

Literature cited by the submitters: PubMed 18252794 (cited by Natera, Inc. and Labcorp Genetics (formerly Invitae), Labcorp); PubMed 28870780 (cited by Natera, Inc.); PubMed 31006099 (cited by Labcorp Genetics (formerly Invitae), Labcorp); PubMed 1825279 (cited by Labcorp Genetics (formerly Invitae), Labcorp).

NM_000198.4(HSD3B2):c.1003C>T (p.Arg335Ter)

Gene: HSD3B2 (hydroxy-delta-5-steroid dehydrogenase, 3 beta- and steroid delta-isomerase 2; plus strand). Cytogenetic location: 1p12.
Variant type: single nucleotide variant.
Coding change: c.1003C>T on transcript NM_000198.4 (MANE Select); coding-DNA position 1003, C replaced by T.
Protein change: p.Arg335Ter; replaces arginine 335 with a stop codon.
Molecular consequence: nonsense.
Genome position (GRCh38, 1-based): chr1:119,422,504, C>T. VCF-style: chr1-119422504-C-T. GRCh37 (hg19) VCF-style: chr1-119965127-C-T.
Other names: c.1003C>T, p.Arg335Ter (NM_001166120.2); short protein forms R335*.
Identifiers: ClinVar variation 597649 (VCV000597649.21), dbSNP rs148200568, ClinGen allele CA1036079.